The following is an entry in ClinVar:

GRCh38/hg38 7q36.1(chr7:152142148-152259011)x3

Genes: KMT2C (lysine methyltransferase 2C; minus strand), LOC129389938 (MPRA-validated peak6855 silencer; plus strand), LOC129999675 (ATAC-STARR-seq lymphoblastoid active region 26876; plus strand). Cytogenetic location: 7q36.1.
Variant type: copy number gain.
Change: copy number 3 (three copies instead of two) of chr7:152,142,148-152,259,011 (116.9 kb, GRCh38 coordinates, 1-based), cytogenetic band 7q36.1.
Identifiers: ClinVar variation 4796031 (VCV004796031.1).

ClinVar aggregate classification (germline): Uncertain significance (1 of 4 stars; one submission).

Submission:

Medical Genetic Center, Changzhi Maternal and Child Health Care Hospital
Classification: Uncertain significance. Last evaluated: 2025-12-10. Review status: criteria provided, single submitter. Criteria: ACMG/ClinGen CNV Guidelines, 2019. Collection method: clinical testing. Allele origin: unknown.
Comment: 2E: KMT2C partial duplication ( NM_170606.3, exon 10-55) (HI = 3), PVS1_Supporting (0.15)